The following is an entry in ClinVar:

NM_021954.4(GJA3):c.196T>C (p.Tyr66His)

Gene: GJA3 (gap junction protein alpha 3; minus strand). Cytogenetic location: 13q12.11.
Variant type: single nucleotide variant.
Coding change: c.196T>C on transcript NM_021954.4 (MANE Select); coding-DNA position 196, T replaced by C.
Protein change: p.Tyr66His; replaces tyrosine 66 with histidine.
Molecular consequence: missense variant.
Genome position (GRCh38, 1-based): chr13:20,143,093, A>G on the plus strand (T>C on the coding strand, the complement: GJA3 is on the minus strand). VCF-style: chr13-20143093-A-G. GRCh37 (hg19) VCF-style: chr13-20717232-A-G.
Other names: short protein forms Y66H.
Identifiers: ClinVar variation 2055275 (VCV002055275.4), dbSNP rs2500173859, ClinGen allele CA387465383.

ClinVar aggregate classification (germline): Likely pathogenic (1 of 4 stars; one submission).

Conditions:
Cataract 14 multiple types. Also called: CATARACT 14, ZONULAR PULVERULENT; CATARACT 14, NUCLEAR PULVERULENT; CATARACT 14, NUCLEAR PULVERULENT AND POSTERIOR POLAR; CATARACT 14, NUCLEAR CORALLIFORM; CATARACT 14, EMBRYONAL NUCLEAR; CATARACT 14, COPPOCK-LIKE. Identifiers: Orphanet 91492, MedGen C1866078, MONDO:0011162, OMIM 601885.

Submission:

Labcorp Genetics (formerly Invitae), Labcorp
Classification: Likely pathogenic for Cataract 14 multiple types. Last evaluated: 2022-02-01. Review status: criteria provided, single submitter. Criteria: Invitae Variant Classification Sherloc (09022015). Collection method: clinical testing. Allele origin: germline.
Comment: In summary, the currently available evidence indicates that the variant is pathogenic, but additional data are needed to prove that conclusively. Therefore, this variant has been classified as Likely Pathogenic. Algorithms developed to predict the effect of missense changes on protein structure and function (SIFT, PolyPhen-2, Align-GVGD) all suggest that this variant is likely to be disruptive. This missense change has been observed in individual(s) with congenital cataracts (Invitae). In at least one individual the variant was observed to be de novo. This variant is not present in population databases (gnomAD no frequency). This sequence change replaces tyrosine, which is neutral and polar, with histidine, which is basic and polar, at codon 66 of the GJA3 protein (p.Tyr66His).